The following is an entry in ClinVar:

ClinVar aggregate classification (germline): Pathogenic (1 of 4 stars; one submission).

Conditions:
Intellectual developmental disorder, autosomal dominant 57. Also called: MENTAL RETARDATION, AUTOSOMAL DOMINANT 57; Intellectual disability, autosomal dominant 57. Identifiers: MedGen C4748003, MONDO:0054837, OMIM 618050.

Submission:

Institute of Human Genetics, University of Leipzig Medical Center
Classification: Pathogenic for Intellectual developmental disorder, autosomal dominant 57. Last evaluated: 2021-01-08. Review status: criteria provided, single submitter. Criteria: ACMG Guidelines, 2015. Collection method: clinical testing. Allele origin: de novo. Affected: yes.
Comment: This variant was identified as de novo (maternity and paternity confirmed).

NM_006852.6(TLK2):c.36del (p.Gln13fs)

Gene: TLK2 (tousled like kinase 2; plus strand). Cytogenetic location: 17q23.2.
Variant type: Deletion.
Coding change: c.36del on transcript NM_006852.6 (MANE Select); coding-DNA position 36, one base deleted (G; older notation c.36delG).
Protein change: p.Gln13fs; shifts the reading frame from glutamine 13.
Molecular consequence: frameshift variant. On other transcripts: 5 prime UTR variant (2).
Genome position (GRCh38, 1-based): chr17:62,481,161, G deleted; the last of 2 consecutive G bases (chr17:62,481,160-62,481,161); deleting either gives the same sequence. VCF-style (leftmost placement, unchanged base first): chr17-62481159-CG-C. GRCh37 (hg19) VCF-style: chr17-60558520-CG-C.
Other names: c.36del, p.Gln13fs (NM_001284333.3, NM_001284363.1, NM_001375270.1 and 2 more transcripts); c.-462del (NM_001330418.3, NM_001375273.1); c.174del, p.Gln59fs (NM_001375269.1); short protein forms Q13fs, Q59fs.
Identifiers: ClinVar variation 1285495 (VCV001285495.1), dbSNP rs2144334211, ClinGen allele CA2499224827.